The following is an entry in ClinVar:

ClinVar aggregate classification (germline): Uncertain significance. Review status: criteria provided, multiple submitters, no conflicts (2 of 4 stars). 2 submissions from 2 submitters: Uncertain significance (2). Last evaluated 2025-06-11.

Conditions:
Multiple endocrine neoplasia, type 1 (MEN1). Also called: MEN I; WERMER SYNDROME; Endocrine adenomatosis multiple; MEN 1; MEA I. Identifiers: Orphanet 652, MedGen C0025267, MeSH D018761, MONDO:0007540, OMIM 131100.
MEN1-related disorder. Also called: MEN1-related condition.

Allele frequency attached by ClinVar (database versions not stated): gnomAD exomes below 0.00001.
gnomAD v4.1: 1 of 1,613,474 alleles (0.000062%); highest among the groups gnomAD compares: Non-Finnish European, 0.000085%; no homozygotes.

Submissions (2):

Labcorp Genetics (formerly Invitae), Labcorp
Classification: Uncertain significance for Multiple endocrine neoplasia, type 1. Last evaluated: 2025-06-11. Review status: criteria provided, single submitter. Criteria: Invitae Variant Classification Sherloc (09022015). Collection method: clinical testing. Allele origin: germline.
Comment: This sequence change replaces threonine, which is neutral and polar, with isoleucine, which is neutral and non-polar, at codon 397 of the MEN1 protein (p.Thr397Ile). This variant is not present in population databases (gnomAD no frequency). This variant has not been reported in the literature in individuals affected with MEN1-related conditions. ClinVar contains an entry for this variant (Variation ID: 1012126). Invitae Evidence Modeling of protein sequence and biophysical properties (such as structural, functional, and spatial information, amino acid conservation, physicochemical variation, residue mobility, and thermodynamic stability) has been performed for this missense variant. However, the output from this modeling did not meet the statistical confidence thresholds required to predict the impact of this variant on MEN1 protein function. In summary, the available evidence is currently insufficient to determine the role of this variant in disease. Therefore, it has been classified as a Variant of Uncertain Significance.

PreventionGenetics, part of Exact Sciences
Classification: Uncertain significance for MEN1-related condition. Last evaluated: 2022-11-07. Review status: criteria provided, single submitter. Criteria: ACMG Guidelines, 2015. Collection method: clinical testing. Allele origin: germline.
Comment: The MEN1 c.1205C>T variant is predicted to result in the amino acid substitution p.Thr402Ile. To our knowledge, this variant has not been reported in the literature or in a large population database, indicating this variant is rare. This variant is reported in ClinVar as uncertain. At this time, the clinical significance of this variant is uncertain due to the absence of conclusive functional and genetic evidence.

NM_001370259.2(MEN1):c.1190C>T (p.Thr397Ile)

Gene: MEN1 (menin 1; minus strand). Cytogenetic location: 11q13.1.
Variant type: single nucleotide variant.
Coding change: c.1190C>T on transcript NM_001370259.2 (MANE Select); coding-DNA position 1190, C replaced by T.
Protein change: p.Thr397Ile; replaces threonine 397 with isoleucine.
Molecular consequence: missense variant.
Genome position (GRCh38, 1-based): chr11:64,805,194, G>A on the plus strand (C>T on the coding strand, the complement: MEN1 is on the minus strand). VCF-style: chr11-64805194-G-A. GRCh37 (hg19) VCF-style: chr11-64572666-G-A.
Other names: c.1205C>T, p.Thr402Ile (NM_000244.4, NM_130800.3, NM_130801.3 and 3 more transcripts); c.1316C>T, p.Thr439Ile (NM_001370251.2); c.1190C>T, p.Thr397Ile (NM_001370260.2, NM_001370261.2, NM_130799.3); c.1085C>T, p.Thr362Ile (NM_001370262.2, NM_001370263.2); c.1205C>T (NM_000244.3); short protein forms T362I, T397I, T402I, T439I.
Identifiers: ClinVar variation 1012126 (VCV001012126.8), dbSNP rs1941628720, ClinGen allele CA381180805.